The following is an entry in ClinVar:

ClinVar aggregate classification (germline): Uncertain significance. Review status: criteria provided, multiple submitters, no conflicts (2 of 4 stars). 4 submissions from 4 submitters: Uncertain significance (4). Last evaluated 2025-01-07.

Conditions:
Hereditary cancer-predisposing syndrome. Also called: Tumor predisposition; Hereditary Cancer Syndrome; Neoplastic Syndromes, Hereditary; Hereditary neoplastic syndrome. Identifiers: Orphanet 140162, MedGen C0027672, MeSH D009386, MONDO:0015356.
Peutz-Jeghers syndrome (PJS). Also called: Peutz-Jeghers polyposis; Periorificial lentiginosis syndrome; POLYPOSIS, HAMARTOMATOUS INTESTINAL; POLYPS-AND-SPOTS SYNDROME. Identifiers: Orphanet 2869, MedGen C0031269, MeSH D010580, MONDO:0008280, OMIM 175200.

Submissions (4):

Ambry Genetics
Classification: Uncertain significance for Hereditary cancer-predisposing syndrome. Last evaluated: 2025-01-07. Review status: criteria provided, single submitter. Criteria: Ambry Variant Classification Scheme 2023. Collection method: clinical testing. Allele origin: germline.
Comment: The c.118_120delCGC variant (also known as p.R40del) is located in coding exon 1 of the STK11 gene. This variant results from an in-frame CGC deletion at nucleotide positions 118 to 120. This results in the in-frame deletion of an arginine at codon 40. This amino acid position is highly conserved in available vertebrate species. In addition, the in silico prediction for this alteration is inconclusive (Choi Y et al. PLoS ONE. 2012; 7(10):e46688). Based on the available evidence, the clinical significance of this variant remains unclear.

Labcorp Genetics (formerly Invitae), Labcorp
Classification: Uncertain significance for Peutz-Jeghers syndrome. Last evaluated: 2024-03-16. Review status: criteria provided, single submitter. Criteria: Invitae Variant Classification Sherloc (09022015). Collection method: clinical testing. Allele origin: germline.
Comment: This variant, c.118_120del, results in the deletion of 1 amino acid(s) of the STK11 protein (p.Arg40del), but otherwise preserves the integrity of the reading frame. This variant is present in population databases (rs774900889, gnomAD 0.003%). This variant has been observed in individual(s) with breast and/or ovarian cancer (PMID: 29470806). ClinVar contains an entry for this variant (Variation ID: 972241). Experimental studies and prediction algorithms are not available or were not evaluated, and the functional significance of this variant is currently unknown. In summary, the available evidence is currently insufficient to determine the role of this variant in disease. Therefore, it has been classified as a Variant of Uncertain Significance.

All of Us Research Program, National Institutes of Health
Classification: Uncertain significance for Peutz-Jeghers syndrome. Last evaluated: 2023-06-08. Review status: criteria provided, single submitter. Criteria: ACMG Guidelines, 2015. Collection method: clinical testing. Allele origin: germline. Inheritance: Autosomal dominant inheritance. Observed: 1 variant allele, 1 heterozygote.
Comment: This variant is an in-frame deletion of arginine at codon 40 of the STK11 protein. To our knowledge, functional studies have not been reported for this variant. This variant has been reported in individuals with an indication of breast and/or ovarian cancer in the literature (PMID: 29470806). This variant has been identified in 1/248062 chromosomes in the general population by the Genome Aggregation Database (gnomAD). The available evidence is insufficient to determine the role of this variant in disease conclusively. Therefore, this variant is classified as a Variant of Uncertain Significance.

This study involves interpretation of variants in research participants for the purpose of population health screening. Participant phenotype was not available at the time of variant classification. Additional details can be found in publication PMID: 35346344, PMCID: PMC8962531

Color Diagnostics, LLC DBA Color Health
Classification: Uncertain significance for Hereditary cancer-predisposing syndrome. Last evaluated: 2023-05-24. Review status: criteria provided, single submitter. Criteria: ACMG Guidelines, 2015. Collection method: clinical testing. Allele origin: germline.
Comment: This variant is an in-frame deletion of arginine at codon 40 of the STK11 protein. To our knowledge, functional studies have not been reported for this variant. This variant has been reported in individuals with an indication of breast and/or ovarian cancer in the literature (PMID: 29470806). This variant has been identified in 1/248062 chromosomes in the general population by the Genome Aggregation Database (gnomAD). The available evidence is insufficient to determine the role of this variant in disease conclusively. Therefore, this variant is classified as a Variant of Uncertain Significance.

Literature cited by the submitters: PubMed 29470806 (cited by 3 submitters).

NM_000455.5(STK11):c.115CGC[1] (p.Arg40del)

Gene: STK11 (serine/threonine kinase 11; plus strand). Cytogenetic location: 19p13.3.
Variant type: Microsatellite.
Coding change: c.115CGC[1] on transcript NM_000455.5 (MANE Select); one copy of the 3-base unit CGC starting at c.115; the reference has two copies in a row; one copy, 3 bases deleted; also written c.118_120del.
Protein change: p.Arg40del; deletes arginine 40.
Molecular consequence: inframe deletion.
Genome position (GRCh38, 1-based): chr19:1,207,031-1,207,033, CGC deleted; deleting any 3 consecutive bases within chr19:1,207,028-1,207,033 gives the same sequence; the position shown is the placement nearest the transcript's 3' end. VCF-style (leftmost placement, unchanged base first): chr19-1207027-GCGC-G. GRCh37 (hg19) VCF-style: chr19-1207026-GCGC-G.
Other names: c.118_120del (NM_000455.5); c.118_120delCGC (NM_000455.4); short protein forms R40del.
Identifiers: ClinVar variation 972241 (VCV000972241.16), dbSNP rs774900889, ClinGen allele CA9039447.